The following is an entry in ClinVar:

NM_001009944.3(PKD1):c.6915+2T>C

Gene: PKD1 (polycystin 1, transient receptor potential channel interacting; minus strand). Cytogenetic location: 16p13.3.
Variant type: single nucleotide variant.
Coding change: c.6915+2T>C on transcript NM_001009944.3 (MANE Select); the canonical splice donor site of the intron after coding-DNA position 6915, T replaced by C.
Molecular consequence: splice donor variant.
Genome position (GRCh38, 1-based): chr16:2,108,250, A>G on the plus strand (T>C on the coding strand, the complement: PKD1 is on the minus strand). VCF-style: chr16-2108250-A-G. GRCh37 (hg19) VCF-style: chr16-2158251-A-G.
Other names: c.6915+2T>C (NM_000296.4).
Identifiers: ClinVar variation 3340730 (VCV003340730.1).

ClinVar aggregate classification (germline): Pathogenic (1 of 4 stars; one submission).

Submission:

GeneDx
Classification: Pathogenic. Last evaluated: 2024-02-27. Review status: criteria provided, single submitter. Criteria: GeneDx Variant Classification Process June 2021. Collection method: clinical testing. Allele origin: germline. Affected: yes.
Comment: Canonical splice site variant predicted to result in a null allele in a gene for which loss of function is a known mechanism of disease; Not observed at significant frequency in large population cohorts (gnomAD); This variant is associated with the following publications: (PMID: 26150605)